The following is an entry in ClinVar:

ClinVar aggregate classification (germline): Benign. Review status: criteria provided, multiple submitters, no conflicts (2 of 4 stars). 2 submissions from 2 submitters: Benign (2). Last evaluated 2019-12-31.

Conditions:
White sponge nevus 1. Also called: LEUKOKERATOSIS, HEREDITARY MUCOSAL. Identifiers: MedGen C4011926, MONDO:0008676, OMIM 193900.

Allele frequency attached by ClinVar (database versions not stated): gnomAD exomes 0.00087 and 0.00228; ExAC 0.00275; ESP Exome Variant Server 0.00935; gnomAD 0.00983 and 0.01050; TOPMed 0.01139; 1000 Genomes Project 0.01198; 1000 Genomes Project 30x 0.01249.
gnomAD v4.1: 2,816 of 1,613,230 alleles (0.17%); highest among the groups gnomAD compares: African/African-American, 3.3%; 56 homozygotes.

Submissions (2):

Labcorp Genetics (formerly Invitae), Labcorp
Classification: Benign. Last evaluated: 2019-12-31. Review status: criteria provided, single submitter. Criteria: Invitae Variant Classification Sherloc (09022015). Collection method: clinical testing. Allele origin: germline.

Illumina Laboratory Services, Illumina
Classification: Benign for White sponge nevus 1. Last evaluated: 2018-01-12. Review status: criteria provided, single submitter. Criteria: ICSL Variant Classification Criteria 13 December 2019. Collection method: clinical testing. Allele origin: germline.
Comment: This variant was observed in the ICSL laboratory as part of a predisposition screen in an ostensibly healthy population. It had not been previously curated by ICSL or reported in the Human Gene Mutation Database (HGMD: prior to June 1st, 2018), and was therefore a candidate for classification through an automated scoring system. Utilizing variant allele frequency, disease prevalence and penetrance estimates, and inheritance mode, an automated score was calculated to assess if this variant is too frequent to cause the disease. Based on the score and internal cut-off values, a variant classified as benign is not then subjected to further curation. The score for this variant resulted in a classification of benign for this disease.

NM_002272.4(KRT4):c.678-3C>T

Gene: KRT4 (keratin 4; minus strand). Cytogenetic location: 12q13.13.
Variant type: single nucleotide variant.
Coding change: c.678-3C>T on transcript NM_002272.4 (MANE Select); 3 bases into the intron before coding-DNA position 678, C replaced by T.
Molecular consequence: intron variant.
Genome position (GRCh38, 1-based): chr12:52,810,819, G>A on the plus strand (C>T on the coding strand, the complement: KRT4 is on the minus strand). VCF-style: chr12-52810819-G-A. GRCh37 (hg19) VCF-style: chr12-53204603-G-A.
Identifiers: ClinVar variation 309685 (VCV000309685.9), dbSNP rs73306189, ClinGen allele CA6588645.
Genomic context (GRCh38, chr12:52,810,819, plus strand): 5'-CTTTAGGACCACAAAGTCATTCTCGGCTGCTGTGCGTTTGTTGATCTCCTCTTCATACCT[G>A]GGGGTGGGCACGGGGAGAAAAAGACAAAAACCCACAGTGAGCTGGTGTTTCTCAGATCTC-3'